The following is an entry in ClinVar:

NM_002246.3(KCNK3):c.746T>C (p.Met249Thr)

Gene: KCNK3 (potassium two pore domain channel subfamily K member 3; plus strand). Cytogenetic location: 2p23.3.
Variant type: single nucleotide variant.
Coding change: c.746T>C on transcript NM_002246.3 (MANE Select); coding-DNA position 746, T replaced by C.
Protein change: p.Met249Thr; replaces methionine 249 with threonine.
Molecular consequence: missense variant.
Genome position (GRCh38, 1-based): chr2:26,728,129, T>C. VCF-style: chr2-26728129-T-C. GRCh37 (hg19) VCF-style: chr2-26950997-T-C.
Other names: short protein forms M249T.
Identifiers: ClinVar variation 944079 (VCV000944079.12), dbSNP rs1015646363, ClinGen allele CA44398217.
Genomic context (GRCh38, chr2:26,728,129, plus strand): 5'-TTACGGGCCTCACGGTCATCGGCGCCTTCCTCAACCTCGTGGTGCTGCGCTTCATGACCA[T>C]GAACGCCGAGGACGAGAAGCGCGACGCCGAGCACCGCGCGCTGCTCACGCGCAACGGGCA-3'
Protein context (NP_002237.1, residues 239-259): LNLVVLRFMT[Met249Thr]NAEDEKRDAE

ClinVar aggregate classification (germline): Uncertain significance. Review status: criteria provided, multiple submitters, no conflicts (2 of 4 stars). 3 submissions from 3 submitters: Uncertain significance (3). Last evaluated 2025-09-27.

Conditions:
Pulmonary hypertension, primary, 4. Identifiers: Orphanet 422, MedGen C3809198, MONDO:0014136, OMIM 615344.
Inborn genetic diseases. Identifiers: MedGen C0950123, MeSH D030342.

Allele frequency attached by ClinVar (database versions not stated): gnomAD 0.00001; TOPMed 0.00001.
gnomAD v4.1: 4 of 1,604,738 alleles (0.00025%); highest among the groups gnomAD compares: East Asian, 0.0045%; no homozygotes.

Submissions (3):

Labcorp Genetics (formerly Invitae), Labcorp
Classification: Uncertain significance for Pulmonary hypertension, primary, 4. Last evaluated: 2025-09-27. Review status: criteria provided, single submitter. Criteria: Invitae Variant Classification Sherloc (09022015). Collection method: clinical testing. Allele origin: germline.
Comment: This sequence change replaces methionine, which is neutral and non-polar, with threonine, which is neutral and polar, at codon 249 of the KCNK3 protein (p.Met249Thr). This variant is not present in population databases (gnomAD no frequency). This variant has not been reported in the literature in individuals affected with KCNK3-related conditions. ClinVar contains an entry for this variant (Variation ID: 944079). Invitae Evidence Modeling of protein sequence and biophysical properties (such as structural, functional, and spatial information, amino acid conservation, physicochemical variation, residue mobility, and thermodynamic stability) indicates that this missense variant is not expected to disrupt KCNK3 protein function with a negative predictive value of 80%. In summary, the available evidence is currently insufficient to determine the role of this variant in disease. Therefore, it has been classified as a Variant of Uncertain Significance.

Ambry Genetics
Classification: Uncertain significance for Inborn genetic diseases. Last evaluated: 2025-02-11. Review status: criteria provided, single submitter. Criteria: Ambry Variant Classification Scheme 2023. Collection method: clinical testing. Allele origin: germline.

Fulgent Genetics
Classification: Uncertain significance for Pulmonary hypertension, primary, 4. Last evaluated: 2024-06-15. Review status: criteria provided, single submitter. Criteria: ACMG Guidelines, 2015. Collection method: clinical testing. Allele origin: germline.